The following is an entry in ClinVar:

ClinVar aggregate classification (germline): Uncertain significance (1 of 4 stars; one submission).

Conditions:
Cardiovascular phenotype. Identifiers: MedGen CN230736.

gnomAD v4.1: 1 of 1,613,090 alleles (0.000062%); highest among the groups gnomAD compares: South Asian, 0.0011%; no homozygotes.

Submission:

Ambry Genetics
Classification: Uncertain significance for Cardiovascular phenotype. Last evaluated: 2024-04-27. Review status: criteria provided, single submitter. Criteria: Ambry Variant Classification Scheme 2023. Collection method: clinical testing. Allele origin: germline.
Comment: The p.T1353S variant (also known as c.4057A>T), located in coding exon 27 of the MYH6 gene, results from an A to T substitution at nucleotide position 4057. The threonine at codon 1353 is replaced by serine, an amino acid with similar properties. This amino acid position is conserved. In addition, this alteration is predicted to be tolerated by in silico analysis. Based on the available evidence, the clinical significance of this variant remains unclear.

NM_002471.4(MYH6):c.4057A>T (p.Thr1353Ser)

Gene: MYH6 (myosin heavy chain 6; minus strand). Cytogenetic location: 14q11.2.
Variant type: single nucleotide variant.
Coding change: c.4057A>T on transcript NM_002471.4 (MANE Select); coding-DNA position 4057, A replaced by T.
Protein change: p.Thr1353Ser; replaces threonine 1353 with serine.
Molecular consequence: missense variant.
Genome position (GRCh38, 1-based): chr14:23,388,977, T>A on the plus strand (A>T on the coding strand, the complement: MYH6 is on the minus strand). VCF-style: chr14-23388977-T-A. GRCh37 (hg19) VCF-style: chr14-23858186-T-A.
Other names: short protein forms T1353S.
Identifiers: ClinVar variation 3297486 (VCV003297486.1).
Genomic context (GRCh38, chr14:23,388,977, plus strand): 5'-ACTGGGCCACCTCCGAGTTGGCCTTGGACAGGACGCGCTGCAGCTCGGCCTTGGCCTCTG[T>A]CTCCTCCTCGTACTGCTCCCGCAGCAGGTCGCAGTCATGCCGGGCCGACTGCAGTGCATG-3'
Protein context (NP_002462.2, residues 1343-1363): DLLREQYEEE[Thr1353Ser]EAKAELQRVL